The following is an entry in ClinVar:

ClinVar aggregate classification (germline): Likely benign (0 of 4 stars; one submission).

Conditions:
ECEL1-related disorder. Also called: ECEL1-related condition.

Allele frequency attached by ClinVar (database versions not stated): TOPMed 0.00001; gnomAD 0.00002; ExAC 0.00003; ESP Exome Variant Server 0.00008.
gnomAD v4.1: 16 of 1,613,770 alleles (0.00099%); highest among the groups gnomAD compares: African/African-American, 0.004%; no homozygotes.

Submission:

PreventionGenetics, part of Exact Sciences
Classification: Likely benign for ECEL1-related condition. Last evaluated: 2019-07-19. Review status: no assertion criteria provided. Collection method: clinical testing. Allele origin: germline.
Comment: This variant is classified as likely benign based on ACMG/AMP sequence variant interpretation guidelines (Richards et al. 2015 PMID: 25741868, with internal and published modifications).

NM_004826.4(ECEL1):c.1854C>T (p.Tyr618=)

Gene: ECEL1 (endothelin converting enzyme like 1; minus strand). Cytogenetic location: 2q37.1.
Variant type: single nucleotide variant.
Coding change: c.1854C>T on transcript NM_004826.4 (MANE Select); coding-DNA position 1854, C replaced by T.
Protein change: p.Tyr618=; no amino-acid change (tyrosine 618 retained).
Molecular consequence: synonymous variant.
Genome position (GRCh38, 1-based): chr2:232,481,792, G>A on the plus strand (C>T on the coding strand, the complement: ECEL1 is on the minus strand). VCF-style: chr2-232481792-G-A. GRCh37 (hg19) VCF-style: chr2-233346502-G-A.
Other names: c.1848C>T, p.Tyr616= (NM_001290787.2).
Identifiers: ClinVar variation 3050728 (VCV003050728.2), dbSNP rs372170199, ClinGen allele CA2167082.